The following is an entry in ClinVar:

ClinVar aggregate classification (germline): Uncertain significance (1 of 4 stars; one submission).

Conditions:
Inborn genetic diseases. Identifiers: MedGen C0950123, MeSH D030342.

Submission:

Ambry Genetics
Classification: Uncertain significance for Inborn genetic diseases. Last evaluated: 2022-11-30. Review status: criteria provided, single submitter. Criteria: Ambry Variant Classification Scheme 2023. Collection method: clinical testing. Allele origin: germline.
Comment: The c.2409G>T (p.L803F) alteration is located in exon 15 (coding exon 15) of the FRMPD4 gene. This alteration results from a G to T substitution at nucleotide position 2409, causing the leucine (L) at amino acid position 803 to be replaced by a phenylalanine (F). This variant was not reported in population-based cohorts in the Genome Aggregation Database (gnomAD). This amino acid position is highly conserved in available vertebrate species. This alteration is predicted to be tolerated by in silico analysis. Based on insufficient or conflicting evidence, the clinical significance of this alteration remains unclear.

NM_001368397.1(FRMPD4):c.2409G>T (p.Leu803Phe)

Gene: FRMPD4 (FERM and PDZ domain containing 4; plus strand). Cytogenetic location: Xp22.2.
Variant type: single nucleotide variant.
Coding change: c.2409G>T on transcript NM_001368397.1 (MANE Select); coding-DNA position 2409, G replaced by T.
Protein change: p.Leu803Phe; replaces leucine 803 with phenylalanine.
Molecular consequence: missense variant.
Genome position (GRCh38, 1-based): chrX:12,716,868, G>T. VCF-style: chrX-12716868-G-T. GRCh37 (hg19) VCF-style: chrX-12734987-G-T.
Other names: c.2520G>T, p.Leu840Phe (NM_001368395.3, NM_001368398.3); c.2415G>T, p.Leu805Phe (NM_001368396.3); c.2400G>T, p.Leu800Phe (NM_001368399.3); c.2289G>T, p.Leu763Phe (NM_001368400.3); c.2385G>T, p.Leu795Phe (NM_001368401.1, NM_001368402.3); c.2409G>T, p.Leu803Phe (NM_014728.3); short protein forms L763F, L795F, L800F, L805F, L840F, L803F.
Identifiers: ClinVar variation 2318149 (VCV002318149.2), dbSNP rs2519852022, ClinGen allele CA412312213.